The following is an entry in ClinVar:

NM_001306084.2(CFAP54):c.4713_4716del (p.Phe1571fs)

Gene: CFAP54 (cilia and flagella associated protein 54; plus strand). Cytogenetic location: 12q23.1.
Variant type: Deletion.
Coding change: c.4713_4716del on transcript NM_001306084.2 (MANE Select); coding-DNA positions 4713 to 4716, 4 bases deleted (TATT; older notation c.4713_4716delTATT).
Protein change: p.Phe1571fs; shifts the reading frame from phenylalanine 1571.
Molecular consequence: frameshift variant.
Genome position (GRCh38, 1-based): chr12:96,649,913-96,649,916, TATT deleted; deleting any 4 consecutive bases within chr12:96,649,910-96,649,916 gives the same sequence; the c. name uses the placement nearest the transcript's 3' end. VCF-style (leftmost placement, unchanged base first): chr12-96649909-CATTT-C. GRCh37 (hg19) VCF-style: chr12-97043687-CATTT-C.
Other names: c.4713_4716del, p.Phe1571fs (NM_001367885.1); short protein forms F1571fs.
Identifiers: ClinVar variation 3778415 (VCV003778415.7).

ClinVar aggregate classification (germline): Likely pathogenic (1 of 4 stars; one submission).

Submission:

CeGaT Center for Human Genetics Tuebingen
Classification: Likely pathogenic. Last evaluated: 2025-03-01. Review status: criteria provided, single submitter. Criteria: CeGaT Center For Human Genetics Tuebingen Variant Classification Criteria Version 2. Collection method: clinical testing. Allele origin: germline. Affected: yes. Observed: 1 variant allele.
Comment: CFAP54: PVS1:Strong, PM2